The following is an entry in ClinVar:

ClinVar aggregate classification (germline): Uncertain significance. Review status: criteria provided, multiple submitters, no conflicts (2 of 4 stars). 5 submissions from 5 submitters: Uncertain significance (5). Last evaluated 2025-09-09.

Conditions:
Cardiovascular phenotype. Identifiers: MedGen CN230736.
Dilated cardiomyopathy 1JJ (CMD1JJ). Identifiers: Orphanet 154, MedGen C3808935, MONDO:0014095, OMIM 615235.

Allele frequency attached by ClinVar (database versions not stated): ExAC 0.00004; gnomAD exomes 0.00005 and 0.00011; TOPMed 0.00006; gnomAD 0.00007 and 0.00008; ESP Exome Variant Server 0.00015.
gnomAD v4.1: 164 of 1,612,990 alleles (0.01%); highest among the groups gnomAD compares: Non-Finnish European, 0.014%; no homozygotes.

Submissions (5):

Labcorp Genetics (formerly Invitae), Labcorp
Classification: Uncertain significance for Dilated cardiomyopathy 1JJ. Last evaluated: 2025-09-09. Review status: criteria provided, single submitter. Criteria: Invitae Variant Classification Sherloc (09022015). Collection method: clinical testing. Allele origin: germline.
Comment: This sequence change replaces alanine, which is neutral and non-polar, with threonine, which is neutral and polar, at codon 501 of the LAMA4 protein (p.Ala501Thr). This variant is present in population databases (rs139730568, gnomAD 0.01%). This variant has not been reported in the literature in individuals affected with LAMA4-related conditions. ClinVar contains an entry for this variant (Variation ID: 654291). Invitae Evidence Modeling of protein sequence and biophysical properties (such as structural, functional, and spatial information, amino acid conservation, physicochemical variation, residue mobility, and thermodynamic stability) indicates that this missense variant is not expected to disrupt LAMA4 protein function with a negative predictive value of 80%. In summary, the available evidence is currently insufficient to determine the role of this variant in disease. Therefore, it has been classified as a Variant of Uncertain Significance.

Ambry Genetics
Classification: Uncertain significance for Cardiovascular phenotype. Last evaluated: 2025-08-01. Review status: criteria provided, single submitter. Criteria: Ambry Variant Classification Scheme 2023. Collection method: clinical testing. Allele origin: germline.

GeneDx
Classification: Uncertain significance. Last evaluated: 2023-01-10. Review status: criteria provided, single submitter. Criteria: GeneDx Variant Classification Process June 2021. Collection method: clinical testing. Allele origin: germline. Affected: yes.
Comment: Has not been previously published as pathogenic or benign to our knowledge; In silico analysis supports that this missense variant does not alter protein structure/function

Fulgent Genetics
Classification: Uncertain significance for Dilated cardiomyopathy 1JJ. Last evaluated: 2021-08-10. Review status: criteria provided, single submitter. Criteria: ACMG Guidelines, 2015. Collection method: clinical testing. Allele origin: unknown.

Victorian Clinical Genetics Services, Murdoch Childrens Research Institute
Classification: Uncertain significance for Dilated cardiomyopathy 1JJ. Last evaluated: 2021-05-06. Review status: criteria provided, single submitter. Criteria: ACMG Guidelines, 2015. Collection method: clinical testing. Allele origin: germline. Inheritance: Autosomal dominant inheritance. Affected: yes.
Comment: Based on the classification scheme VCGS_Germline_v1.3.4, this variant is classified as VUS-3C. Following criteria are met: 0105 - The mechanism of disease for this gene is not clearly established. The gene-disease association has not been established (PMID: 23274168, PanelApp Australia) however, functional studies of variants in the LAMA4 gene suggest a loss-of-function effect on the protein (PMIDs: 16204254, 17646580). (I) 0107 - This gene is associated with autosomal dominant disease. (I) 0200 - Variant is predicted to result in a missense amino acid change from alanine to threonine. (I) 0219 - This variant is non-coding in an alternative transcript. However, it is coding in the transcript predominantly reported in ClinVar which is expressed in heart tissue (GTEx). (I) 0251 - This variant is heterozygous. (I) 0302 - Variant is present in gnomAD (v2) <0.001 for a dominant condition (12 heterozygotes, 0 homozygotes). (SP) 0309 - An alternative amino acid change at the same position has been observed in gnomAD (v3) (1 heterozygote, 0 homozygotes). (I) 0503 - Missense variant consistently predicted to be tolerated by multiple in silico tools or not conserved in placental mammals with a minor amino acid change. (SB) 0600 - Variant is located in the coiled coil region within the annotated laminin I domain (NCBI, Uniprot). (I) 0705 - No comparable missense variants have previous evidence for pathogenicity. (I) 0809 - Previous evidence of pathogenicity for this variant is inconclusive. This variant has been reported once as a VUS for dilated cardiomyopathy 1JJ (ClinVar). (I) 0905 - No published segregation evidence has been identified for this variant. (I) 1007 - No published functional evidence has been identified for this variant. (I) 1208 - Inheritance information for this variant is not currently available in this individual. (I) Legend: (SP) - Supporting pathogenic, (I) - Information, (SB) - Supporting benign

Literature cited by the submitters: PubMed 16204254 (cited by Victorian Clinical Genetics Services, Murdoch Childrens Research Institute); PubMed 17646580 (cited by Victorian Clinical Genetics Services, Murdoch Childrens Research Institute); PubMed 23274168 (cited by Victorian Clinical Genetics Services, Murdoch Childrens Research Institute).

NM_001105206.3(LAMA4):c.1522G>A (p.Ala508Thr)

Gene: LAMA4 (laminin subunit alpha 4; minus strand). Cytogenetic location: 6q21.
Variant type: single nucleotide variant.
Coding change: c.1522G>A on transcript NM_001105206.3 (MANE Select); coding-DNA position 1522, G replaced by A.
Protein change: p.Ala508Thr; replaces alanine 508 with threonine.
Molecular consequence: missense variant.
Genome position (GRCh38, 1-based): chr6:112,172,640, C>T on the plus strand (G>A on the coding strand, the complement: LAMA4 is on the minus strand). VCF-style: chr6-112172640-C-T. GRCh37 (hg19) VCF-style: chr6-112493842-C-T.
Other names: c.1501G>A, p.Ala501Thr (NM_001105207.3, NM_002290.5); c.1522G>A (NM_001105206.2); short protein forms A501T, A508T.
Identifiers: ClinVar variation 654291 (VCV000654291.18), dbSNP rs139730568, ClinGen allele CA3965762.